The following is an entry in ClinVar:

ClinVar aggregate classification (germline): Uncertain significance (1 of 4 stars; one submission).

Conditions:
Gorlin syndrome. Also called: Basal cell nevus syndrome; Nevoid Basal Cell Carcinoma Syndrome. Identifiers: Orphanet 377, MedGen C0004779, MONDO:0007187.

Submission:

Labcorp Genetics (formerly Invitae), Labcorp
Classification: Uncertain significance for Gorlin syndrome. Last evaluated: 2021-05-20. Review status: criteria provided, single submitter. Criteria: Invitae Variant Classification Sherloc (09022015). Collection method: clinical testing. Allele origin: germline.
Comment: In summary, the available evidence is currently insufficient to determine the role of this variant in disease. Therefore, it has been classified as a Variant of Uncertain Significance. Algorithms developed to predict the effect of sequence changes on RNA splicing suggest that this variant may create or strengthen a splice site, but this prediction has not been confirmed by published transcriptional studies. Advanced modeling of protein sequence and biophysical properties (such as structural, functional, and spatial information, amino acid conservation, physicochemical variation, residue mobility, and thermodynamic stability) performed at Invitae indicates that this missense variant is not expected to disrupt PTCH1 protein function. This variant has not been reported in the literature in individuals with PTCH1-related conditions. This variant is not present in population databases (ExAC no frequency). This sequence change replaces glycine with arginine at codon 1054 of the PTCH1 protein (p.Gly1054Arg). The glycine residue is moderately conserved and there is a moderate physicochemical difference between glycine and arginine.

NM_000264.5(PTCH1):c.3160G>A (p.Gly1054Arg)

Gene: PTCH1 (patched 1; minus strand). Cytogenetic location: 9q22.32.
Variant type: single nucleotide variant.
Coding change: c.3160G>A on transcript NM_000264.5 (MANE Select); coding-DNA position 3160, G replaced by A.
Protein change: p.Gly1054Arg; replaces glycine 1054 with arginine.
Molecular consequence: missense variant. On other transcripts: non-coding transcript variant (1).
Genome position (GRCh38, 1-based): chr9:95,458,021, C>T on the plus strand (G>A on the coding strand, the complement: PTCH1 is on the minus strand). VCF-style: chr9-95458021-C-T. GRCh37 (hg19) VCF-style: chr9-98220303-C-T.
Other names: c.2962G>A, p.Gly988Arg (NM_001083602.3); c.3157G>A, p.Gly1053Arg (NM_001083603.3); c.2707G>A, p.Gly903Arg (NM_001083604.3, NM_001083605.3, NM_001083606.3 and 1 more transcripts); c.3004G>A, p.Gly1002Arg (NM_001354918.2); short protein forms G1002R, G1053R, G1054R, G903R, G988R.
Identifiers: ClinVar variation 1366665 (VCV001366665.8), dbSNP rs2136659721, ClinGen allele CA374112264.